The following is an entry in ClinVar:

NM_006767.4(LZTR1):c.178T>A (p.Cys60Ser)

Gene: LZTR1 (leucine zipper like post translational regulator 1; plus strand). Cytogenetic location: 22q11.21.
Variant type: single nucleotide variant.
Coding change: c.178T>A on transcript NM_006767.4 (MANE Select); coding-DNA position 178, T replaced by A.
Protein change: p.Cys60Ser; replaces cysteine 60 with serine.
Molecular consequence: missense variant.
Genome position (GRCh38, 1-based): chr22:20,982,549, T>A. VCF-style: chr22-20982549-T-A. GRCh37 (hg19) VCF-style: chr22-21336838-T-A.
Other names: short protein forms C60S.
Identifiers: ClinVar variation 3656901 (VCV003656901.2).

ClinVar aggregate classification (germline): Uncertain significance (1 of 4 stars; one submission).

Submission:

Labcorp Genetics (formerly Invitae), Labcorp
Classification: Uncertain significance. Last evaluated: 2024-07-09. Review status: criteria provided, single submitter. Criteria: Invitae Variant Classification Sherloc (09022015). Collection method: clinical testing. Allele origin: germline.
Comment: This sequence change replaces cysteine, which is neutral and slightly polar, with serine, which is neutral and polar, at codon 60 of the LZTR1 protein (p.Cys60Ser). This variant is not present in population databases (gnomAD no frequency). This variant has not been reported in the literature in individuals affected with LZTR1-related conditions. Advanced modeling of protein sequence and biophysical properties (such as structural, functional, and spatial information, amino acid conservation, physicochemical variation, residue mobility, and thermodynamic stability) performed at Invitae indicates that this missense variant is not expected to disrupt LZTR1 protein function with a negative predictive value of 80%. In summary, the available evidence is currently insufficient to determine the role of this variant in disease. Therefore, it has been classified as a Variant of Uncertain Significance.